The following is an entry in ClinVar:

NM_025144.4(ALPK1):c.2021_2028del (p.Phe674fs)

Gene: ALPK1 (alpha kinase 1; plus strand). Cytogenetic location: 4q25.
Variant type: Deletion.
Coding change: c.2021_2028del on transcript NM_025144.4 (MANE Select); coding-DNA positions 2021 to 2028, 8 bases deleted (TCTCGCCT; older notation c.2021_2028delTCTCGCCT).
Protein change: p.Phe674fs; shifts the reading frame from phenylalanine 674.
Molecular consequence: frameshift variant.
Genome position (GRCh38, 1-based): chr4:112,431,568-112,431,575, TCTCGCCT deleted; deleting any 8 consecutive bases within chr4:112,431,565-112,431,575 gives the same sequence; the c. name uses the placement nearest the transcript's 3' end. VCF-style (leftmost placement, unchanged base first): chr4-112431564-CCCTTCTCG-C. GRCh37 (hg19) VCF-style: chr4-113352720-CCCTTCTCG-C.
Other names: c.2021_2028del, p.Phe674fs (NM_001102406.2); c.1787_1794del, p.Phe596fs (NM_001253884.2); short protein forms F674fs, F596fs.
Identifiers: ClinVar variation 1917200 (VCV001917200.5), dbSNP rs772017170, ClinGen allele CA3046840.

ClinVar aggregate classification (germline): Uncertain significance (1 of 4 stars; one submission).

Submission:

Labcorp Genetics (formerly Invitae), Labcorp
Classification: Uncertain significance. Last evaluated: 2024-09-29. Review status: criteria provided, single submitter. Criteria: Invitae Variant Classification Sherloc (09022015). Collection method: clinical testing. Allele origin: germline.
Comment: This sequence change creates a premature translational stop signal (p.Phe674Serfs*2) in the ALPK1 gene. It is expected to result in an absent or disrupted protein product. However, the current clinical and genetic evidence is not sufficient to establish whether loss-of-function variants in ALPK1 cause disease. This variant is present in population databases (rs772017170, gnomAD 0.003%). This variant has not been reported in the literature in individuals affected with ALPK1-related conditions. ClinVar contains an entry for this variant (Variation ID: 1917200). Experimental studies and prediction algorithms are not available or were not evaluated, and the functional significance of this variant is currently unknown. In summary, the available evidence is currently insufficient to determine the role of this variant in disease. Therefore, it has been classified as a Variant of Uncertain Significance.